The following is an entry in ClinVar:

NM_000051.4(ATM):c.4073G>T (p.Ser1358Ile)

Gene: ATM (ATM serine/threonine kinase; plus strand). Cytogenetic location: 11q22.3.
Variant type: single nucleotide variant.
Coding change: c.4073G>T on transcript NM_000051.4 (MANE Select); coding-DNA position 4073, G replaced by T.
Protein change: p.Ser1358Ile; replaces serine 1358 with isoleucine.
Molecular consequence: missense variant.
Genome position (GRCh38, 1-based): chr11:108,287,679, G>T. VCF-style: chr11-108287679-G-T. GRCh37 (hg19) VCF-style: chr11-108158406-G-T.
Other names: c.4073G>T, p.Ser1358Ile (NM_001351834.2); short protein forms S1358I.
Identifiers: ClinVar variation 3894088 (VCV003894088.2).

ClinVar aggregate classification (germline): Uncertain significance. Review status: criteria provided, multiple submitters, no conflicts (2 of 4 stars). 2 submissions from 2 submitters: Uncertain significance (2). Last evaluated 2025-07-03.

Conditions:
Hereditary cancer-predisposing syndrome. Also called: Neoplastic Syndromes, Hereditary; Tumor predisposition; Hereditary Cancer Syndrome; Hereditary neoplastic syndrome. Identifiers: Orphanet 140162, MedGen C0027672, MeSH D009386, MONDO:0015356.

Submissions (2):

Ambry Genetics
Classification: Uncertain significance for Hereditary cancer-predisposing syndrome. Last evaluated: 2025-07-03. Review status: criteria provided, single submitter. Criteria: Ambry Variant Classification Scheme 2023. Collection method: clinical testing. Allele origin: germline.
Comment: The p.S1358I variant (also known as c.4073G>T), located in coding exon 26 of the ATM gene, results from a G to T substitution at nucleotide position 4073. The serine at codon 1358 is replaced by isoleucine, an amino acid with dissimilar properties. This amino acid position is conserved. In addition, this alteration is predicted to be tolerated by in silico analysis. Based on the available evidence, the clinical significance of this variant remains unclear.

Color Diagnostics, LLC DBA Color Health
Classification: Uncertain significance for Hereditary cancer-predisposing syndrome. Last evaluated: 2024-09-23. Review status: criteria provided, single submitter. Criteria: ACMG Guidelines, 2015. Collection method: clinical testing. Allele origin: germline.
Comment: This missense variant replaces serine with isoleucine at codon 1358 of the ATM protein. Computational prediction suggests that this variant may not impact protein structure and function (internally defined REVEL score threshold <= 0.5, PMID: 27666373). To our knowledge, functional studies have not been reported for this variant. This variant has not been reported in individuals affected with ATM-related disorders in the literature. This variant has not been identified in the general population by the Genome Aggregation Database (gnomAD). The available evidence is insufficient to determine the role of this variant in disease conclusively. Therefore, this variant is classified as a Variant of Uncertain Significance.